The following is an entry in ClinVar:

NM_000807.4(GABRA2):c.255G>A (p.Met85Ile)

Gene: GABRA2 (gamma-aminobutyric acid type A receptor subunit alpha2; minus strand). Cytogenetic location: 4p12.
Variant type: single nucleotide variant.
Coding change: c.255G>A on transcript NM_000807.4 (MANE Select); coding-DNA position 255, G replaced by A.
Protein change: p.Met85Ile; replaces methionine 85 with isoleucine.
Molecular consequence: missense variant. On other transcripts: intron variant (4).
Genome position (GRCh38, 1-based): chr4:46,332,615, C>T on the plus strand (G>A on the coding strand, the complement: GABRA2 is on the minus strand). VCF-style: chr4-46332615-C-T. GRCh37 (hg19) VCF-style: chr4-46334632-C-T.
Other names: c.255G>A, p.Met85Ile (NM_001114175.3, NM_001330690.2, NM_001377144.1 and 8 more transcripts); c.91-19899G>A (NM_001377154.1, NM_001377152.1, NM_001286827.3 and 1 more transcripts); short protein forms M85I.
Identifiers: ClinVar variation 3370709 (VCV003370709.1).

ClinVar aggregate classification (germline): Uncertain significance (1 of 4 stars; one submission).

Submission:

GeneDx
Classification: Uncertain significance. Last evaluated: 2024-03-07. Review status: criteria provided, single submitter. Criteria: GeneDx Variant Classification Process June 2021. Collection method: clinical testing. Allele origin: germline. Affected: yes.
Comment: Not observed at significant frequency in large population cohorts (gnomAD); In silico analysis supports that this missense variant has a deleterious effect on protein structure/function; In silico analysis supports a deleterious effect on splicing; Has not been previously published as pathogenic or benign to our knowledge